The following is an entry in ClinVar:

NM_000289.6(PFKM):c.1209_1210insCCTG (p.Ala404fs)

Gene: PFKM (phosphofructokinase, muscle; plus strand). Cytogenetic location: 12q13.11.
Variant type: Insertion.
Coding change: c.1209_1210insCCTG on transcript NM_000289.6 (MANE Select); coding-DNA positions 1209 to 1210, CCTG inserted.
Protein change: p.Ala404fs; shifts the reading frame from alanine 404.
Molecular consequence: frameshift variant. On other transcripts: non-coding transcript variant (6).
Genome position: GRCh38 VCF-style: chr12-48140737-G-GTGCC. GRCh37 (hg19) VCF-style: chr12-48534520-G-GTGCC.
Other names: c.1422_1423insCCTG, p.Ala475fs (NM_001166686.2, NM_001354737.1, NM_001354738.1 and 1 more transcripts); c.1209_1210insCCTG, p.Ala404fs (NM_001166687.2, NM_001166688.2, NM_001354742.2 and 2 more transcripts); c.1518_1519insCCTG, p.Ala507fs (NM_001354735.1, NM_001354736.1); c.1353_1354insCCTG, p.Ala452fs (NM_001354740.1); c.1233_1234insCCTG, p.Ala412fs (NM_001354741.2); c.1122_1123insCCTG, p.Ala375fs (NM_001354745.2); c.1083_1084insCCTG, p.Ala362fs (NM_001354746.2); c.1059_1060insCCTG, p.Ala354fs (NM_001354747.2, NM_001354748.2); and 2 more; short protein forms A354fs, A362fs, A373fs, A375fs, A404fs, A412fs, A444fs, A452fs.
Identifiers: ClinVar variation 5012654 (VCV005012654.1).

ClinVar aggregate classification (germline): Pathogenic (1 of 4 stars; one submission).

Conditions:
Glycogen storage disease, type VII (GSD7). Also called: GSD VII; MUSCLE PHOSPHOFRUCTOKINASE DEFICIENCY; PFKM DEFICIENCY; TARUI DISEASE. Identifiers: Orphanet 371, MedGen C0017926, MONDO:0009295, OMIM 232800.

Submission:

Myriad Genetics, Inc.
Classification: Pathogenic for Glycogen storage disease, type VII. Last evaluated: 2024-01-16. Review status: criteria provided, single submitter. Criteria: Myriad Autosomal Dominant, Autosomal Recessive and X-Linked Classification Criteria (2023). Collection method: clinical testing. Allele origin: unknown.
Comment: NM_001166686.1(PFKM):c.1422_1423insCCTG(A475Pfs*36) is expected to be pathogenic in the context of glycogen storage disease, PFKM-related. This variant is predicted to lead to an abnormal or absent protein product due to the creation of a premature termination codon in PFKM, a gene where loss-of-function variants are known to be pathogenic. Please note: this variant was assessed in the context of healthy population screening.